The following is an entry in ClinVar:

NM_000059.4(BRCA2):c.5245T>G (p.Tyr1749Asp)

Gene: BRCA2 (BRCA2 DNA repair associated; plus strand). Cytogenetic location: 13q13.1.
Variant type: single nucleotide variant.
Coding change: c.5245T>G on transcript NM_000059.4 (MANE Select); coding-DNA position 5245, T replaced by G.
Protein change: p.Tyr1749Asp; replaces tyrosine 1749 with aspartic acid.
Molecular consequence: missense variant.
Genome position (GRCh38, 1-based): chr13:32,339,600, T>G. VCF-style: chr13-32339600-T-G. GRCh37 (hg19) VCF-style: chr13-32913737-T-G.
Other names: short protein forms Y1749D.
Identifiers: ClinVar variation 481610 (VCV000481610.10), dbSNP rs876658731, ClinGen allele CA387784692.

ClinVar aggregate classification (germline): Conflicting classifications of pathogenicity. Review status: criteria provided, conflicting classifications (1 of 4 stars). 3 submissions from 3 submitters: Uncertain significance (2); Likely benign (1). Last evaluated 2023-03-23.

Conditions:
Hereditary breast ovarian cancer syndrome. Also called: Hereditary breast and ovarian cancer syndrome; Hereditary breast and ovarian cancer; Hereditary breast and ovarian cancer syndrome (HBOC); Breast and ovarian cancer; Hereditary breast and/or ovarian cancer syndrome; BRCA1- and BRCA2-Associated Hereditary Breast and Ovarian Cancer. Identifiers: Orphanet 145, MedGen C0677776, MeSH D061325, MONDO:0003582. Disease mechanism: loss of function.
Hereditary cancer-predisposing syndrome. Also called: Neoplastic Syndromes, Hereditary; Tumor predisposition; Hereditary Cancer Syndrome; Hereditary neoplastic syndrome. Identifiers: Orphanet 140162, MedGen C0027672, MeSH D009386, MONDO:0015356.

Submissions (3):

University of Washington Department of Laboratory Medicine, University of Washington
Classification: Likely benign for Hereditary cancer-predisposing syndrome. Last evaluated: 2023-03-23. Review status: criteria provided, single submitter. Criteria: Dines et al. (Genet Med. 2020). Collection method: curation. Allele origin: germline.
Comment: Missense variant in a coldspot region where missense variants are very unlikely to be pathogenic (PMID:31911673).

BRCA2 exon 11 coldspot. Reclassification based on statistical prior probability.

Labcorp Genetics (formerly Invitae), Labcorp
Classification: Uncertain significance for Hereditary breast ovarian cancer syndrome. Last evaluated: 2023-03-18. Review status: criteria provided, single submitter. Criteria: Invitae Variant Classification Sherloc (09022015). Collection method: clinical testing. Allele origin: germline.
Comment: This sequence change replaces tyrosine, which is neutral and polar, with aspartic acid, which is acidic and polar, at codon 1749 of the BRCA2 protein (p.Tyr1749Asp). This variant is not present in population databases (gnomAD no frequency). This variant has not been reported in the literature in individuals affected with BRCA2-related conditions. ClinVar contains an entry for this variant (Variation ID: 481610). Advanced modeling of protein sequence and biophysical properties (such as structural, functional, and spatial information, amino acid conservation, physicochemical variation, residue mobility, and thermodynamic stability) performed at Invitae indicates that this missense variant is not expected to disrupt BRCA2 protein function. In summary, the available evidence is currently insufficient to determine the role of this variant in disease. Therefore, it has been classified as a Variant of Uncertain Significance.

Ambry Genetics
Classification: Uncertain significance for Hereditary cancer-predisposing syndrome. Last evaluated: 2017-06-21. Review status: criteria provided, single submitter. Criteria: Ambry Variant Classification Scheme 2023. Collection method: clinical testing. Allele origin: germline.
Comment: The p.Y1749D variant (also known as c.5245T>G), located in coding exon 10 of the BRCA2 gene, results from a T to G substitution at nucleotide position 5245. The tyrosine at codon 1749 is replaced by aspartic acid, an amino acid with highly dissimilar properties. This amino acid position is not well conserved in available vertebrate species. In addition, this alteration is predicted to be tolerated by in silico analysis. Since supporting evidence is limited at this time, the clinical significance of this alteration remains unclear.